The following is an entry in ClinVar:

ClinVar aggregate classification (germline): Uncertain significance. Review status: criteria provided, multiple submitters, no conflicts (2 of 4 stars). 2 submissions from 2 submitters: Uncertain significance (2). Last evaluated 2025-10-22.

Conditions:
Inborn genetic diseases. Identifiers: MedGen C0950123, MeSH D030342.
Cone-rod dystrophy 6 (CORD6). Also called: RETINAL CONE DYSTROPHY 2; Cone dystrophy progressive. Identifiers: Orphanet 1872, MedGen C1866293, MONDO:0011143, OMIM 601777.
Leber congenital amaurosis 1 (LCA1). Also called: AMAUROSIS CONGENITA OF LEBER I; Congenital absence of the rods and cones; Leber's congenital tapetoretinal degeneration; Leber's congenital tapetoretinal dysplasia; RETINAL BLINDNESS, CONGENITAL. Identifiers: Orphanet 65, MedGen C2931258, MONDO:0008764, OMIM 204000.

Submissions (2):

Ambry Genetics
Classification: Uncertain significance for Inborn genetic diseases. Last evaluated: 2025-10-22. Review status: criteria provided, single submitter. Criteria: Ambry Variant Classification Scheme 2023. Collection method: clinical testing. Allele origin: germline.

Labcorp Genetics (formerly Invitae), Labcorp
Classification: Uncertain significance for Leber congenital amaurosis 1; Cone-rod dystrophy 6. Last evaluated: 2024-09-21. Review status: criteria provided, single submitter. Criteria: Invitae Variant Classification Sherloc (09022015). Collection method: clinical testing. Allele origin: germline.
Comment: This sequence change replaces proline, which is neutral and non-polar, with serine, which is neutral and polar, at codon 400 of the GUCY2D protein (p.Pro400Ser). This variant is present in population databases (rs779327088, gnomAD 0.009%). This variant has not been reported in the literature in individuals affected with GUCY2D-related conditions. Invitae Evidence Modeling of protein sequence and biophysical properties (such as structural, functional, and spatial information, amino acid conservation, physicochemical variation, residue mobility, and thermodynamic stability) indicates that this missense variant is not expected to disrupt GUCY2D protein function with a negative predictive value of 80%. In summary, the available evidence is currently insufficient to determine the role of this variant in disease. Therefore, it has been classified as a Variant of Uncertain Significance.

NM_000180.4(GUCY2D):c.1198C>T (p.Pro400Ser)

Gene: GUCY2D (guanylate cyclase 2D, retinal; plus strand). Cytogenetic location: 17p13.1.
Variant type: single nucleotide variant.
Coding change: c.1198C>T on transcript NM_000180.4 (MANE Select); coding-DNA position 1198, C replaced by T.
Protein change: p.Pro400Ser; replaces proline 400 with serine.
Molecular consequence: missense variant.
Genome position (GRCh38, 1-based): chr17:8,006,534, C>T. VCF-style: chr17-8006534-C-T. GRCh37 (hg19) VCF-style: chr17-7909852-C-T.
Other names: c.1198C>T (NM_000180.3); short protein forms P400S.
Identifiers: ClinVar variation 3763766 (VCV003763766.3).